The following is an entry in ClinVar:

NM_017763.6(RNF43):c.376-11T>C

Gene: RNF43 (ring finger protein 43; minus strand). Cytogenetic location: 17q22.
Variant type: single nucleotide variant.
Coding change: c.376-11T>C on transcript NM_017763.6 (MANE Select); 11 bases into the intron before coding-DNA position 376, T replaced by C.
Molecular consequence: intron variant.
Genome position (GRCh38, 1-based): chr17:58,363,611, A>G on the plus strand (T>C on the coding strand, the complement: RNF43 is on the minus strand). VCF-style: chr17-58363611-A-G. GRCh37 (hg19) VCF-style: chr17-56440972-A-G.
Other names: c.376-11T>C (NM_001438822.1, NM_001305544.3, NM_001438820.1 and 1 more transcripts); c.-6-11T>C (NM_001305545.2, NM_001437987.1).
Identifiers: ClinVar variation 4875783 (VCV004875783.1).

ClinVar aggregate classification (germline): Likely benign (1 of 4 stars; one submission).

Conditions:
Sessile serrated polyposis cancer syndrome (SSPCS). Identifiers: Orphanet 157798, MedGen C4310714, MONDO:0014919, OMIM 617108.

Submission:

Myriad Genetics, Inc.
Classification: Likely benign for Sessile serrated polyposis cancer syndrome. Last evaluated: 2026-06-26. Review status: criteria provided, single submitter. Criteria: Myriad Autosomal Dominant, Autosomal Recessive and X-Linked Classification Criteria (2023). Collection method: clinical testing. Allele origin: unknown.
Comment: This variant is considered likely benign. This variant is intronic and is not expected to impact mRNA splicing.